The following is an entry in ClinVar:

NM_001365276.2(TNXB):c.9437C>T (p.Thr3146Met)

Gene: TNXB (tenascin XB; minus strand). Cytogenetic location: 6p21.33.
Variant type: single nucleotide variant.
Coding change: c.9437C>T on transcript NM_001365276.2 (MANE Select); coding-DNA position 9437, C replaced by T.
Protein change: p.Thr3146Met; replaces threonine 3146 with methionine.
Molecular consequence: missense variant.
Genome position (GRCh38, 1-based): chr6:32,050,000, G>A on the plus strand (C>T on the coding strand, the complement: TNXB is on the minus strand). VCF-style: chr6-32050000-G-A. GRCh37 (hg19) VCF-style: chr6-32017777-G-A.
Other names: c.9431C>T, p.Thr3144Met (NM_019105.8); short protein forms T3144M, T3146M.
Identifiers: ClinVar variation 1311758 (VCV001311758.5), dbSNP rs770332215, ClinGen allele CA3733541.
Genomic context (GRCh38, chr6:32,050,000, plus strand): 5'-AAGAGCAAGAGGTGGCCCTCCCACAGCTCCCACCCTGGGGCTCCCATCATTCACTCACCC[G>A]TCACCCCAATGGCAGACACAGGGCCTACGCGCTGGCCACCGTGGAAGCCGTACAGGTTCA-3'
Protein context (NP_001352205.1, residues 3136-3156): RVGPVSAIGV[Thr3146Met]EEETPSPTEP

ClinVar aggregate classification (germline): Uncertain significance. Review status: criteria provided, multiple submitters, no conflicts (2 of 4 stars). 2 submissions from 2 submitters: Uncertain significance (2). Last evaluated 2025-05-07.

Conditions:
Cardiovascular phenotype. Identifiers: MedGen CN230736.

Allele frequency attached by ClinVar (database versions not stated): gnomAD 0.00001; ExAC 0.00002; TOPMed 0.00001; gnomAD exomes 0.00002.
gnomAD v4.1: 7 of 1,613,306 alleles (0.00043%); highest among the groups gnomAD compares: Admixed American, 0.0067%; no homozygotes.

Submissions (2):

Ambry Genetics
Classification: Uncertain significance for Cardiovascular phenotype. Last evaluated: 2025-05-07. Review status: criteria provided, single submitter. Criteria: Ambry Variant Classification Scheme 2023. Collection method: clinical testing. Allele origin: germline.

GeneDx
Classification: Uncertain significance. Last evaluated: 2020-01-08. Review status: criteria provided, single submitter. Criteria: GeneDx Variant Classification Process June 2021. Collection method: clinical testing. Allele origin: germline. Affected: yes.
Comment: Has not been previously published as pathogenic or benign to our knowledge; In silico analysis, which includes protein predictors and evolutionary conservation, supports a deleterious effect